The following is an entry in ClinVar:

ClinVar aggregate classification (germline): Pathogenic (1 of 4 stars; one submission).

Conditions:
Eichsfeld type congenital muscular dystrophy (CMYO3). Also called: MYOPATHY, SEPN1-RELATED; Rigid spine muscular dystrophy 1; SELENON-related myopathy; Congenital myopathy 3 with rigid spine. Identifiers: MedGen C0410180, MONDO:0100100, OMIM 602771.

Submission:

Labcorp Genetics (formerly Invitae), Labcorp
Classification: Pathogenic for Eichsfeld type congenital muscular dystrophy. Last evaluated: 2019-09-05. Review status: criteria provided, single submitter. Criteria: Invitae Variant Classification Sherloc (09022015). Collection method: clinical testing. Allele origin: germline.
Comment: This sequence change creates a premature translational stop signal (p.Ala18Asnfs*58) in the SELENON gene. It is expected to result in an absent or disrupted protein product. The frequency data for this variant in the population databases is considered unreliable, as metrics indicate insufficient coverage at this position in the ExAC database. This variant has not been reported in the literature in individuals with SELENON-related conditions. Loss-of-function variants in SELENON are known to be pathogenic (PMID: 21131290, 21670436). For these reasons, this variant has been classified as Pathogenic.

NM_206926.2(SELENON):c.19_47dup (p.Ala18fs)

Gene: SELENON (selenoprotein N; plus strand). Cytogenetic location: 1p36.11.
Variant type: Duplication.
Coding change: c.19_47dup on transcript NM_206926.2 (MANE Select); coding-DNA positions 19 to 47, 29 bases duplicated (GGCCAACGCGGGCCGCCCAGCCCCGGCCC).
Protein change: p.Ala18fs; shifts the reading frame from alanine 18.
Molecular consequence: frameshift variant.
Genome position (GRCh38, 1-based): chr1:25,800,249-25,800,277, GGCCAACGCGGGCCGCCCAGCCCCGGCCC duplicated. VCF-style (leftmost placement, unchanged base first): chr1-25800248-G-GGGCCAACGCGGGCCGCCCAGCCCCGGCCC. GRCh37 (hg19) VCF-style: chr1-26126739-G-GGGCCAACGCGGGCCGCCCAGCCCCGGCCC.
Other names: c.19_47dup, p.Ala18fs (NM_020451.3); short protein forms A18fs.
Identifiers: ClinVar variation 954787 (VCV000954787.1), dbSNP rs2047848157, ClinGen allele CA1139656011.